The following is an entry in ClinVar:

ClinVar aggregate classification (germline): Pathogenic. Review status: criteria provided, multiple submitters, no conflicts (2 of 4 stars). 3 submissions from 3 submitters: Pathogenic (3). Last evaluated 2026-05-08.

Conditions:
Familial cancer of breast. Also called: BREAST CANCER, FAMILIAL; Hereditary breast cancer; hereditary breast carcinoma. Identifiers: Orphanet 227535, MedGen C0346153, MONDO:0016419, OMIM 114480. Disease mechanism: loss of function.
Hereditary cancer-predisposing syndrome. Also called: Tumor predisposition; Neoplastic Syndromes, Hereditary; Hereditary Cancer Syndrome; Hereditary neoplastic syndrome. Identifiers: Orphanet 140162, MedGen C0027672, MeSH D009386, MONDO:0015356.
Ataxia-telangiectasia syndrome (AT). Also called: Ataxia-telangiectasia, complementation group D; ATAXIA-TELANGIECTASIA, COMPLEMENTATION GROUP A; ATAXIA-TELANGIECTASIA, FRESNO VARIANT; Ataxia-telangiectasia; AT, COMPLEMENTATION GROUP C; LOUIS-BAR SYNDROME. Identifiers: Orphanet 100, MedGen C0004135, MONDO:0008840, OMIM 208900.

Submissions (3):

Ambry Genetics
Classification: Pathogenic for Hereditary cancer-predisposing syndrome. Last evaluated: 2026-05-08. Review status: criteria provided, single submitter. Criteria: Ambry Variant Classification Scheme 2023. Collection method: clinical testing. Allele origin: germline.
Comment: The p.Y1844* pathogenic mutation (also known as c.5532C>G), located in coding exon 36 of the ATM gene, results from a C to G substitution at nucleotide position 5532. This changes the amino acid from a tyrosine to a stop codon within coding exon 36. This variant is considered to be rare based on population cohorts in the Genome Aggregation Database (gnomAD). This variant is expected to result in loss of function by premature protein truncation or nonsense-mediated mRNA decay. As such, this variant is interpreted as a disease-causing mutation.

Myriad Genetics, Inc.
Classification: Pathogenic for Familial cancer of breast. Last evaluated: 2024-01-25. Review status: criteria provided, single submitter. Criteria: Myriad Autosomal Dominant, Autosomal Recessive and X-Linked Classification Criteria (2023). Collection method: clinical testing. Allele origin: unknown.
Comment: This variant is considered pathogenic. This variant creates a termination codon and is predicted to result in premature protein truncation.

Labcorp Genetics (formerly Invitae), Labcorp
Classification: Pathogenic for Ataxia-telangiectasia syndrome. Last evaluated: 2021-07-01. Review status: criteria provided, single submitter. Criteria: Invitae Variant Classification Sherloc (09022015). Collection method: clinical testing. Allele origin: germline.
Comment: For these reasons, this variant has been classified as Pathogenic. This sequence change creates a premature translational stop signal (p.Tyr1844*) in the ATM gene. It is expected to result in an absent or disrupted protein product. Loss-of-function variants in ATM are known to be pathogenic (PMID: 23807571, 25614872). This variant is not present in population databases (ExAC no frequency). This variant has not been reported in the literature in individuals affected with ATM-related conditions. Algorithms developed to predict the effect of sequence changes on RNA splicing suggest that this variant may create or strengthen a splice site.

Literature cited by the submitters: PubMed 23807571 (cited by Labcorp Genetics (formerly Invitae), Labcorp); PubMed 25614872 (cited by Labcorp Genetics (formerly Invitae), Labcorp).

NM_000051.4(ATM):c.5532C>G (p.Tyr1844Ter)

Gene: ATM (ATM serine/threonine kinase; plus strand). Cytogenetic location: 11q22.3.
Variant type: single nucleotide variant.
Coding change: c.5532C>G on transcript NM_000051.4 (MANE Select); coding-DNA position 5532, C replaced by G.
Protein change: p.Tyr1844Ter; replaces tyrosine 1844 with a stop codon.
Molecular consequence: nonsense.
Genome position (GRCh38, 1-based): chr11:108,304,710, C>G. VCF-style: chr11-108304710-C-G. GRCh37 (hg19) VCF-style: chr11-108175437-C-G.
Other names: c.5532C>G, p.Tyr1844Ter (NM_001351834.2); c.5532C>G (NM_000051.3); short protein forms Y1844*.
Identifiers: ClinVar variation 1445608 (VCV001445608.8), dbSNP rs2135943149, ClinGen allele CA382545876.